The following is an entry in ClinVar:

NM_015221.4(DNMBP):c.4320C>T (p.Ser1440=)

Gene: DNMBP (dynamin binding protein; minus strand). Cytogenetic location: 10q24.2.
Variant type: single nucleotide variant.
Coding change: c.4320C>T on transcript NM_015221.4 (MANE Select); coding-DNA position 4320, C replaced by T.
Protein change: p.Ser1440=; no amino-acid change (serine 1440 retained).
Molecular consequence: synonymous variant.
Genome position (GRCh38, 1-based): chr10:99,880,039, G>A on the plus strand (C>T on the coding strand, the complement: DNMBP is on the minus strand). VCF-style: chr10-99880039-G-A. GRCh37 (hg19) VCF-style: chr10-101639796-G-A.
Other names: c.4320C>T (NM_015221.3); c.3216C>T, p.Ser1072= (NM_001318326.2); c.2058C>T, p.Ser686= (NM_001318327.2).
Identifiers: ClinVar variation 1255519 (VCV001255519.6), dbSNP rs2255901, ClinGen allele CA5644318.

ClinVar aggregate classification (germline): Benign. Review status: criteria provided, multiple submitters, no conflicts (2 of 4 stars). 3 submissions from 3 submitters: Benign (2). 1 of the submissions does not count toward it. Last evaluated 2021-07-30.

Conditions:
DNMBP-related disorder. Also called: DNMBP-related condition.
Cataract 48. Identifiers: MedGen C5193082, MONDO:0032735, OMIM 618415.

Allele frequency attached by ClinVar (database versions not stated): 1000 Genomes Project 0.46446; 1000 Genomes Project 30x 0.47189; gnomAD exomes 0.48386 and 0.50957; ExAC 0.48780; gnomAD 0.50399 and 0.50729; TOPMed 0.51380; ESP Exome Variant Server 0.52737.
gnomAD v4.1: 821,332 of 1,613,852 alleles (51%); highest among the groups gnomAD compares: African/African-American, 54%; 211,787 homozygotes.

Submissions (3):

Genome-Nilou Lab
Classification: Benign for Cataract 48. Last evaluated: 2021-07-30. Review status: criteria provided, single submitter. Criteria: ACMG Guidelines, 2015. Collection method: clinical testing. Allele origin: germline. Affected: no.

Breakthrough Genomics
Classification: Benign. Review status: criteria provided, single submitter. Criteria: ACMG Guidelines, 2015. Collection method: not provided. Allele origin: germline. Inheritance: Autosomal recessive inheritance. Affected: yes.

PreventionGenetics, part of Exact Sciences
Classification: Benign for DNMBP-related condition. Last evaluated: 2019-10-21. Review status: no assertion criteria provided. Collection method: clinical testing. Allele origin: germline. Not counted in ClinVar's aggregate classification.
Comment: This variant is classified as benign based on ACMG/AMP sequence variant interpretation guidelines (Richards et al. 2015 PMID: 25741868, with internal and published modifications).